The following is an entry in ClinVar:

NM_001166114.2(PNPLA6):c.29C>G (p.Thr10Arg)

Gene: PNPLA6 (patatin like domain 6, lysophospholipase; plus strand). Cytogenetic location: 19p13.2.
Variant type: single nucleotide variant.
Coding change: c.29C>G on transcript NM_001166114.2 (MANE Select); coding-DNA position 29, C replaced by G.
Protein change: p.Thr10Arg; replaces threonine 10 with arginine.
Molecular consequence: missense variant. On other transcripts: intron variant (3).
Genome position (GRCh38, 1-based): chr19:7,535,817, C>G. VCF-style: chr19-7535817-C-G. GRCh37 (hg19) VCF-style: chr19-7600703-C-G.
Other names: c.56C>G, p.Thr19Arg (NM_001166111.2); c.28-116C>G (NM_006702.5, NM_001166112.2, NM_001166113.1); short protein forms T10R, T19R.
Identifiers: ClinVar variation 1679717 (VCV001679717.2), dbSNP rs777466386, ClinGen allele CA9139325.

ClinVar aggregate classification (germline): Uncertain significance (1 of 4 stars; one submission).

Conditions:
Hereditary spastic paraplegia 39 (SPG39). Also called: SPASTIC PARAPLEGIA 39, AUTOSOMAL RECESSIVE; Spastic Paraplegia Type 39 (SPG39). Identifiers: Orphanet 139480, MedGen C2677586, MONDO:0012787, OMIM 612020.
Trichomegaly-retina pigmentary degeneration-dwarfism syndrome (OMCS). Also called: Eyelashes long mental retardation; Trichomegaly retina pigmentary degeneration dwarfism; OLIVER-MCFARLANE SYNDROME; Oliver-McFarlane Syndrome (OMCS). Identifiers: Orphanet 3363, MedGen C1848745, MONDO:0010152, OMIM 275400.
Laurence-Moon syndrome (LNMS). Also called: PNPLA6-Related Laurence-Moon Syndrome (LMS). Identifiers: Orphanet 2377, MedGen C0023138, MONDO:0009514, OMIM 245800.
Ataxia-hypogonadism-choroidal dystrophy syndrome (BNHS). Also called: Chorioretinal dystrophy, spinocerebellar ataxia and hypogonadotropic hypogonadism; Boucher-Neuhäuser Syndrome (BNS). Identifiers: Orphanet 1180, MedGen C1859093, MONDO:0008980, OMIM 215470.

Allele frequency attached by ClinVar (database versions not stated): gnomAD exomes 0.00001; gnomAD 0.00003 and 0.00004; ExAC 0.00005; TOPMed 0.00005.
gnomAD v4.1: 7 of 1,536,716 alleles (0.00046%); highest among the groups gnomAD compares: African/African-American, 0.0096%; no homozygotes.

Submission:

New York Genome Center
Classification: Uncertain significance for Laurence-Moon syndrome; Ataxia-hypogonadism-choroidal dystrophy syndrome; Trichomegaly-retina pigmentary degeneration-dwarfism syndrome; Hereditary spastic paraplegia 39. Last evaluated: 2021-07-16. Review status: criteria provided, single submitter. Criteria: NYGC Assertion Criteria 2020. Collection method: clinical testing. Allele origin: inherited. Observed: 1 compound heterozygote. Study: CSER-NYCKidSeq.
Comment: The inherited c.29C>G (p.Thr10Arg) variant identified in the PNPLA6 gene substitutes a moderately conserved Threonine for Arginine at amino acid 10/1366 (exon 1/32). This variant is found with low frequency in gnomAD(v3.1.1) (5 heterozygotes, 0 homozygotes; allele frequency: 3.29e-5) suggesting it is not a common benign variant in the populations represented in that database. In silico algorithms predict this variant to be Damaging (SIFT; score: 0.007) andBenign (REVEL; score: 0.1609) to the function of the canonical transcript. It is absent from ClinVar and to our current knowledge has not been reported in affectedindividuals in the literature. The p.Thr10 residue is not within a mapped domain of PNPLA6 (UniProtKB:Q8IY17). Given the lack of compelling evidence for itspathogenicity, the inherited c.29C>G (p.Thr10Arg) variant identified in the PNPLA6 gene is reported as a Variant of Uncertain Significance.